The following is an entry in ClinVar:

NM_007294.3(BRCA1):c.?-232_4484+?del

Gene: BRCA1 (BRCA1 DNA repair associated; minus strand). Cytogenetic location: 17q21.31.
Variant type: Deletion.
Other names: Deletion Exons 1-13; c.?-232_4484+?del (LRG_292t1).
Identifiers: ClinVar variation 89068 (VCV000089068.3).

ClinVar aggregate classification (germline): Pathogenic (1 of 4 stars; one submission).

Conditions:
Familial cancer of breast. Also called: Hereditary breast cancer; hereditary breast carcinoma; BREAST CANCER, FAMILIAL. Identifiers: Orphanet 227535, MedGen C0346153, MONDO:0016419, OMIM 114480. Disease mechanism: loss of function.

Submission:

GeneDx
Classification: Pathogenic for Familial cancer of breast. Review status: criteria provided, single submitter. Criteria: GeneDx Variant Classification (06012015). Collection method: clinical testing. Allele origin: germline.
Comment: whole or partial BRCA1 and BRCA2 large deletions and duplications have been reported in approximately 6-10% of individuals with a BRCA-associated Hereditary Breast and Ovarian Cancer (Judkins 2012)